The following is an entry in ClinVar:

NM_000101.4(CYBA):c.59-3C>T

Gene: CYBA (cytochrome b-245 alpha chain; minus strand). Cytogenetic location: 16q24.2.
Variant type: single nucleotide variant.
Coding change: c.59-3C>T on transcript NM_000101.4 (MANE Select); 3 bases into the intron before coding-DNA position 59, C replaced by T.
Molecular consequence: intron variant.
Genome position (GRCh38, 1-based): chr16:88,648,117, G>A on the plus strand (C>T on the coding strand, the complement: CYBA is on the minus strand). VCF-style: chr16-88648117-G-A. GRCh37 (hg19) VCF-style: chr16-88714525-G-A.
Identifiers: ClinVar variation 3619778 (VCV003619778.2).

ClinVar aggregate classification (germline): Uncertain significance (1 of 4 stars; one submission).

Conditions:
Granulomatous disease, chronic, autosomal recessive, cytochrome b-negative. Also called: CGD DUE TO DEFICIENCY OF THE ALPHA SUBUNIT OF CYTOCHROME b; CGD, AUTOSOMAL RECESSIVE CYTOCHROME b-NEGATIVE; CYBA DEFICIENCY; GRANULOMATOUS DISEASE, CHRONIC, AUTOSOMAL RECESSIVE, 4; Chronic granulomatous disease, autosomal, due to deficiency of CYBA. Identifiers: Orphanet 379, MedGen C1856255, MONDO:0009308, OMIM 233690.

Submission:

Labcorp Genetics (formerly Invitae), Labcorp
Classification: Uncertain significance for Granulomatous disease, chronic, autosomal recessive, cytochrome b-negative. Last evaluated: 2024-05-07. Review status: criteria provided, single submitter. Criteria: Invitae Variant Classification Sherloc (09022015). Collection method: clinical testing. Allele origin: germline.
Comment: This sequence change falls in intron 1 of the CYBA gene. It does not directly change the encoded amino acid sequence of the CYBA protein. It affects a nucleotide within the consensus splice site. This variant is not present in population databases (gnomAD no frequency). This variant has not been reported in the literature in individuals affected with CYBA-related conditions. Variants that disrupt the consensus splice site are a relatively common cause of aberrant splicing (PMID: 17576681, 9536098). Algorithms developed to predict the effect of sequence changes on RNA splicing suggest that this variant is not likely to affect RNA splicing. In summary, the available evidence is currently insufficient to determine the role of this variant in disease. Therefore, it has been classified as a Variant of Uncertain Significance.

Literature cited by the submitters: PubMed 17576681; PubMed 9536098.